The following is an entry in ClinVar:

NM_024312.5(GNPTAB):c.452T>G (p.Leu151Arg)

Gene: GNPTAB (N-acetylglucosamine-1-phosphate transferase subunits alpha and beta; minus strand). Cytogenetic location: 12q23.2.
Variant type: single nucleotide variant.
Coding change: c.452T>G on transcript NM_024312.5 (MANE Select); coding-DNA position 452, T replaced by G.
Protein change: p.Leu151Arg; replaces leucine 151 with arginine.
Molecular consequence: missense variant.
Genome position (GRCh38, 1-based): chr12:101,786,131, A>C on the plus strand (T>G on the coding strand, the complement: GNPTAB is on the minus strand). VCF-style: chr12-101786131-A-C. GRCh37 (hg19) VCF-style: chr12-102179909-A-C.
Other names: c.452T>G (NM_024312.4); short protein forms L151R.
Identifiers: ClinVar variation 991613 (VCV000991613.7), dbSNP rs200015550, ClinGen allele CA6746877.
Genomic context (GRCh38, chr12:101,786,131, plus strand): 5'-GCAACATTGAAAATGTCACTGGCAGAATGAAAAGAAGGATAAAGAGATGGCAGGTCCTTC[A>C]GGGTGATGTTGGCTGGCAGGGCTGGGTCCAGGACAAGCATTGGCACCTTAATGCAGTGTG-3'
Protein context (NP_077288.2, residues 141-161): LDPALPANIT[Leu151Arg]KDLPSLYPSF

ClinVar aggregate classification (germline): Uncertain significance. Review status: criteria provided, multiple submitters, no conflicts (2 of 4 stars). 3 submissions from 3 submitters: Uncertain significance (2). 1 of the submissions does not count toward it. Last evaluated 2021-09-01.

Conditions:
Mucolipidosis type II. Also called: Mucolipidosis 2; ML 2; Inclusion cell disease; Leroy Disease; N-acetylglucosamine 1phosphotransferase deficiency; ML disorder type 2. Identifiers: Orphanet 576, MedGen C2673377, MONDO:0009650, OMIM 252500.
Pseudo-Hurler polydystrophy. Also called: ML IIIA; Mucolipidosis III Alpha/Beta; MUCOLIPIDOSIS IIIA; ML III; ML III ALPHA/BETA; Type III Mucolipidosis. Identifiers: Orphanet 423461, Orphanet 577, MedGen C0033788, MONDO:0018931, OMIM 252600.

Allele frequency attached by ClinVar (database versions not stated): gnomAD 0.00001 and 0.00002; ExAC 0.00002; TOPMed 0.00002; 1000 Genomes Project 0.00040; gnomAD exomes 0.00001 and 0.00003; 1000 Genomes Project 30x 0.00031.
gnomAD v4.1: 12 of 1,614,104 alleles (0.00074%); highest among the groups gnomAD compares: East Asian, 0.027%; no homozygotes.

Submissions (3):

Labcorp Genetics (formerly Invitae), Labcorp
Classification: Uncertain significance for Pseudo-Hurler polydystrophy; Mucolipidosis type II. Last evaluated: 2021-09-01. Review status: criteria provided, single submitter. Criteria: Invitae Variant Classification Sherloc (09022015). Collection method: clinical testing. Allele origin: germline.
Comment: This sequence change replaces leucine with arginine at codon 151 of the GNPTAB protein (p.Leu151Arg). The leucine residue is highly conserved and there is a moderate physicochemical difference between leucine and arginine. This variant is present in population databases (rs200015550, ExAC 0.02%). This variant has not been reported in the literature in individuals affected with GNPTAB-related conditions. Algorithms developed to predict the effect of missense changes on protein structure and function are either unavailable or do not agree on the potential impact of this missense change (SIFT: "Deleterious"; PolyPhen-2: "Probably Damaging"; Align-GVGD: "Class C0"). In summary, the available evidence is currently insufficient to determine the role of this variant in disease. Therefore, it has been classified as a Variant of Uncertain Significance.

GeneDx
Classification: Uncertain significance. Last evaluated: 2020-01-30. Review status: criteria provided, single submitter. Criteria: GeneDx Variant Classification Process June 2021. Collection method: clinical testing. Allele origin: germline. Affected: yes.
Comment: In silico analysis, which includes protein predictors and evolutionary conservation, supports a deleterious effect; Has not been previously published as pathogenic or benign to our knowledge

Natera, Inc.
Classification: Uncertain significance for Mucolipidosis type II. Last evaluated: 2020-04-17. Review status: no assertion criteria provided. Collection method: clinical testing. Allele origin: germline. Not counted in ClinVar's aggregate classification.